The following is an entry in ClinVar:

ClinVar aggregate classification (germline): Uncertain significance. Review status: criteria provided, multiple submitters, no conflicts (2 of 4 stars). 2 submissions from 2 submitters: Uncertain significance (2). Last evaluated 2023-08-17.

Allele frequency attached by ClinVar (database versions not stated): gnomAD 0.00001.
gnomAD v4.1: 7 of 1,614,014 alleles (0.00043%); highest among the groups gnomAD compares: East Asian, 0.013%; no homozygotes.

Submissions (2):

Labcorp Genetics (formerly Invitae), Labcorp
Classification: Uncertain significance. Last evaluated: 2023-08-17. Review status: criteria provided, single submitter. Criteria: Invitae Variant Classification Sherloc (09022015). Collection method: clinical testing. Allele origin: germline.
Comment: ClinVar contains an entry for this variant (Variation ID: 845879). This variant has not been reported in the literature in individuals affected with RP1-related conditions. This variant is present in population databases (no rsID available, gnomAD 0.03%). This sequence change replaces aspartic acid, which is acidic and polar, with valine, which is neutral and non-polar, at codon 603 of the RP1 protein (p.Asp603Val). An algorithm developed to predict the effect of missense changes on protein structure and function (PolyPhen-2) suggests that this variant is likely to be disruptive. In summary, the available evidence is currently insufficient to determine the role of this variant in disease. Therefore, it has been classified as a Variant of Uncertain Significance.

Blueprint Genetics
Classification: Uncertain significance. Last evaluated: 2021-02-18. Review status: criteria provided, single submitter. Criteria: ACMG Guidelines, 2015. Collection method: clinical testing. Allele origin: germline.

NM_006269.2(RP1):c.1808A>T (p.Asp603Val)

Gene: RP1 (RP1 axonemal microtubule associated; plus strand). Cytogenetic location: 8q12.1.
Variant type: single nucleotide variant.
Coding change: c.1808A>T on transcript NM_006269.2 (MANE Select); coding-DNA position 1808, A replaced by T.
Protein change: p.Asp603Val; replaces aspartic acid 603 with valine.
Molecular consequence: missense variant. On other transcripts: intron variant (1).
Genome position (GRCh38, 1-based): chr8:54,625,690, A>T. VCF-style: chr8-54625690-A-T. GRCh37 (hg19) VCF-style: chr8-55538250-A-T.
Other names: c.787+3402A>T (NM_001375654.1); short protein forms D603V.
Identifiers: ClinVar variation 845879 (VCV000845879.10), dbSNP rs1437017159, ClinGen allele CA370991686.
Genomic context (GRCh38, chr8:54,625,690, plus strand): 5'-GTGTGGTATTGGACAACAAAACTGGTATCAAGAACTTCAAAACTTATGGTAACACCAATG[A>T]TAGGTTCAGTCCTATTTCAGCAGATGCAACCCATTTTTCAAGTAATAACTCTGGAACTGA-3'
Protein context (NP_006260.1, residues 593-613): KNFKTYGNTN[Asp603Val]RFSPISADAT